The following is an entry in ClinVar:

NM_016203.4(PRKAG2):c.466+6A>G

Gene: PRKAG2 (protein kinase AMP-activated non-catalytic subunit gamma 2; minus strand). Cytogenetic location: 7q36.1.
Variant type: single nucleotide variant.
Coding change: c.466+6A>G on transcript NM_016203.4 (MANE Select); 6 bases into the intron after coding-DNA position 466, A replaced by G.
Molecular consequence: intron variant.
Genome position (GRCh38, 1-based): chr7:151,781,146, T>C on the plus strand (A>G on the coding strand, the complement: PRKAG2 is on the minus strand). VCF-style: chr7-151781146-T-C. GRCh37 (hg19) VCF-style: chr7-151478232-T-C.
Other names: c.334+6A>G (NM_001040633.2).
Identifiers: ClinVar variation 1016032 (VCV001016032.8), dbSNP rs2076648193, ClinGen allele CA1752826310.
Genomic context (GRCh38, chr7:151,781,146, plus strand): 5'-GTGTGGCTGCAGAAGAGACCCCCAGCACCCCAGCACCCACCTGAAACAATAGCATCAAGG[T>C]CTTACTTTTTCTGGAGCGGGAGAAAAACCTGATGCCCCCGGGCGAGGTAGCAGGGTTGGA-3'

ClinVar aggregate classification (germline): Uncertain significance (1 of 4 stars; one submission).

Conditions:
Lethal congenital glycogen storage disease of heart. Also called: GLYCOGEN STORAGE DISEASE OF HEART; PHOSPHORYLASE KINASE DEFICIENCY OF HEART. Identifiers: Orphanet 439854, MedGen C1849813, MONDO:0009867, OMIM 261740.

Submission:

Labcorp Genetics (formerly Invitae), Labcorp
Classification: Uncertain significance for Lethal congenital glycogen storage disease of heart. Last evaluated: 2020-06-08. Review status: criteria provided, single submitter. Criteria: Invitae Variant Classification Sherloc (09022015). Collection method: clinical testing. Allele origin: germline.
Comment: This sequence change falls in intron 3 of the PRKAG2 gene. It does not directly change the encoded amino acid sequence of the PRKAG2 protein, but it affects a nucleotide within the consensus splice site of the intron. This variant is not present in population databases (ExAC no frequency). This variant has not been reported in the literature in individuals with PRKAG2-related conditions. Nucleotide substitutions within the consensus splice site are a relatively common cause of aberrant splicing (PMID: 17576681, 9536098). Algorithms developed to predict the effect of sequence changes on RNA splicing suggest that this variant is not likely to affect RNA splicing, but this prediction has not been confirmed by published transcriptional studies. In summary, the available evidence is currently insufficient to determine the role of this variant in disease. Therefore, it has been classified as a Variant of Uncertain Significance.

Literature cited by the submitters: PubMed 17576681; PubMed 9536098.